The following is an entry in ClinVar:

ClinVar aggregate classification (germline): Uncertain significance. Review status: criteria provided, multiple submitters, no conflicts (2 of 4 stars). 5 submissions from 4 submitters: Uncertain significance (4). 1 of the submissions does not count toward it. Last evaluated 2024-09-16.

Conditions:
Autosomal recessive nonsyndromic hearing loss 12. Also called: DEAFNESS, AUTOSOMAL RECESSIVE 12. Identifiers: Orphanet 90636, MedGen C1832394, MONDO:0011067, OMIM 601386.
Usher syndrome type 1 (USH1). Also called: RETINITIS PIGMENTOSA AND CONGENITAL DEAFNESS. Identifiers: Orphanet 231169, Orphanet 886, MedGen C1568247, MONDO:0010168, OMIM 276900.
Usher syndrome type 1D (USH1D). Also called: USHER SYNDROME, TYPE ID. Identifiers: Orphanet 231169, Orphanet 886, MedGen C1832845, MONDO:0010984, OMIM 601067.

Allele frequency attached by ClinVar (database versions not stated): TOPMed 0.00002.
gnomAD v4.1: 19 of 1,613,832 alleles (0.0012%); highest among the groups gnomAD compares: Middle Eastern, 0.016%; no homozygotes.

Submissions (5):

Blueprint Genetics
Classification: Uncertain significance. Last evaluated: 2024-09-16. Review status: criteria provided, single submitter. Criteria: ACMG Guidelines, 2015. Collection method: clinical testing. Allele origin: germline.

Labcorp Genetics (formerly Invitae), Labcorp
Classification: Uncertain significance. Last evaluated: 2022-07-26. Review status: criteria provided, single submitter. Criteria: Invitae Variant Classification Sherloc (09022015). Collection method: clinical testing. Allele origin: germline.
Comment: This sequence change replaces alanine, which is neutral and non-polar, with valine, which is neutral and non-polar, at codon 3005 of the CDH23 protein (p.Ala3005Val). This variant is present in population databases (rs188966938, gnomAD 0.01%). This variant has not been reported in the literature in individuals affected with CDH23-related conditions. ClinVar contains an entry for this variant (Variation ID: 300470). Algorithms developed to predict the effect of missense changes on protein structure and function are either unavailable or do not agree on the potential impact of this missense change (SIFT: "Deleterious"; PolyPhen-2: "Not Available"; Align-GVGD: "Class C0"). In summary, the available evidence is currently insufficient to determine the role of this variant in disease. Therefore, it has been classified as a Variant of Uncertain Significance.

Illumina Laboratory Services, Illumina
Classification: Uncertain significance for Autosomal recessive nonsyndromic hearing loss 12. Last evaluated: 2018-01-12. Review status: criteria provided, single submitter. Criteria: ICSL Variant Classification Criteria 13 December 2019. Collection method: clinical testing. Allele origin: germline.

Illumina Laboratory Services, Illumina
Classification: Uncertain significance for Usher syndrome type 1D. Last evaluated: 2018-01-12. Review status: criteria provided, single submitter. Criteria: ICSL Variant Classification Criteria 13 December 2019. Collection method: clinical testing. Allele origin: germline.

Natera, Inc.
Classification: Uncertain significance for Usher syndrome type 1. Last evaluated: 2021-09-06. Review status: no assertion criteria provided. Collection method: clinical testing. Allele origin: germline. Not counted in ClinVar's aggregate classification.

NM_022124.6(CDH23):c.9014C>T (p.Ala3005Val)

Gene: CDH23 (cadherin related 23; plus strand). Cytogenetic location: 10q22.1.
Variant type: single nucleotide variant.
Coding change: c.9014C>T on transcript NM_022124.6 (MANE Select); coding-DNA position 9014, C replaced by T.
Protein change: p.Ala3005Val; replaces alanine 3005 with valine.
Molecular consequence: missense variant.
Genome position (GRCh38, 1-based): chr10:71,810,506, C>T. VCF-style: chr10-71810506-C-T. GRCh37 (hg19) VCF-style: chr10-73570263-C-T.
Other names: c.2294C>T, p.Ala765Val (NM_001171933.1, NM_001171934.1); short protein forms A3005V, A765V.
Identifiers: ClinVar variation 300470 (VCV000300470.10), dbSNP rs188966938, ClinGen allele CA5546833.